The following is an entry in ClinVar:

ClinVar aggregate classification (germline): Uncertain significance. Review status: criteria provided, multiple submitters, no conflicts (2 of 4 stars). 3 submissions from 3 submitters: Uncertain significance (2). 1 of the submissions does not count toward it. Last evaluated 2026-06-04.

Conditions:
Deficiency of transaldolase. Also called: EYAID SYNDROME. Identifiers: Orphanet 101028, MedGen C1291329, MONDO:0011624, OMIM 606003.
TALDO1-related disorder. Also called: TALDO1-related condition.

Allele frequency attached by ClinVar (database versions not stated): ESP Exome Variant Server 0.00008; TOPMed 0.00010; gnomAD exomes 0.00012 and 0.00019; 1000 Genomes Project 30x 0.00016; 1000 Genomes Project 0.00020; ExAC 0.00021; gnomAD 0.00006 and 0.00007.

Submissions (3):

PreventionGenetics, part of Exact Sciences
Classification: Uncertain significance for TALDO1-related condition. Last evaluated: 2026-06-04. Review status: criteria provided, single submitter. Criteria: ACMG Guidelines, 2015. Collection method: clinical testing. Allele origin: germline.
Comment: The TALDO1 c.604G>A variant is predicted to result in the amino acid substitution p.Asp202Asn. This variant was reported in the heterozygous state in an individual with acetaminophen-induced liver failure (described as 654G>A in Oaks et al. 2020. PubMed ID: 31769880). This variant is reported in 0.046% of alleles in individuals of South Asian descent in gnomAD. At this time, the clinical significance of this variant is uncertain due to the absence of conclusive functional and genetic evidence.

Labcorp Genetics (formerly Invitae), Labcorp
Classification: Uncertain significance. Last evaluated: 2022-07-21. Review status: criteria provided, single submitter. Criteria: Invitae Variant Classification Sherloc (09022015). Collection method: clinical testing. Allele origin: germline.
Comment: This sequence change replaces aspartic acid, which is acidic and polar, with asparagine, which is neutral and polar, at codon 202 of the TALDO1 protein (p.Asp202Asn). This variant is present in population databases (rs140985565, gnomAD 0.05%). This missense change has been observed in individual(s) with acetaminophen-induced liver failure (PMID: 31769880). ClinVar contains an entry for this variant (Variation ID: 800779). Algorithms developed to predict the effect of missense changes on protein structure and function (SIFT, PolyPhen-2, Align-GVGD) all suggest that this variant is likely to be tolerated. Experimental studies are conflicting or provide insufficient evidence to determine the effect of this variant on TALDO1 function (PMID: 31769880). In summary, the available evidence is currently insufficient to determine the role of this variant in disease. Therefore, it has been classified as a Variant of Uncertain Significance.

Biochemical Molecular Genetic Laboratory, King Abdulaziz Medical City
Classification: Uncertain significance for Deficiency of transaldolase. Last evaluated: 2019-01-29. Review status: no assertion criteria provided. Collection method: clinical testing. Allele origin: germline. Affected: yes. Not counted in ClinVar's aggregate classification.

Literature cited by the submitters: PubMed 31769880 (cited by Labcorp Genetics (formerly Invitae), Labcorp).

NM_006755.2(TALDO1):c.604G>A (p.Asp202Asn)

Genes: TALDO1 (transaldolase 1; plus strand), LOC126861110 (CDK7 strongly-dependent group 2 enhancer GRCh37_chr11:762588-763787; plus strand). Cytogenetic location: 11p15.5.
Variant type: single nucleotide variant.
Coding change: c.604G>A on transcript NM_006755.2 (MANE Select); coding-DNA position 604, G replaced by A.
Protein change: p.Asp202Asn; replaces aspartic acid 202 with asparagine.
Molecular consequence: missense variant.
Genome position (GRCh38, 1-based): chr11:763,486, G>A. VCF-style: chr11-763486-G-A. GRCh37 (hg19) VCF-style: chr11-763486-G-A.
Other names: short protein forms D202N.
Identifiers: ClinVar variation 800779 (VCV000800779.5), dbSNP rs140985565, ClinGen allele CA5788220.